The following is an entry in ClinVar:

ClinVar aggregate classification (germline): Pathogenic (1 of 4 stars; one submission).

Conditions:
Usher syndrome. Also called: Usher Syndromes; Usher's syndrome. Identifiers: Orphanet 886, MedGen CN469326, MeSH D052245, MONDO:0019501. Disease mechanism: loss of function.

Submission:

Women's Health and Genetics/Laboratory Corporation of America, LabCorp
Classification: Pathogenic for Usher syndrome. Last evaluated: 2026-06-25. Review status: criteria provided, single submitter. Criteria: LabCorp Variant Classification Summary - May 2015. Collection method: clinical testing. Allele origin: germline.
Comment: Variant summary: The variant involves the deletion of exon 32 in the USH2A gene. A presumed nomenclature of c.(6163+1_6164-1)_(6325+1_6326-1)del has been designated for the purposes of this classification. This Copy Number Variant (CNV) is predicted to result in an in-frame deletion within this gene. Loss-of-function variants in this gene are known to be pathogenic. The variant was absent in 21694 control chromosomes. c.(6163+1_6164-1)_(6325+1_6326-1)del has been observed in an individual affected with Usher Syndrome (Bonnet_2016). To our knowledge, no experimental evidence demonstrating an impact on protein function has been reported. However at least one variant within the deleted region (c.6225G>T, p.Trp2075Cys) has been classified as pathogenic/likely pathogenic, providing evidence that the region altered by the variant is important for protein function. The following publication has been ascertained in the context of this evaluation (PMID: 27460420). No submitters have cited clinical-significance assessments for this variant to ClinVar. Based on the evidence outlined above, the variant was classified as pathogenic.

Literature cited by the submitters: PubMed 27460420.

NC_000001.10:g.(216173905_216219772)_(216219935_216221875)del

Gene: USH2A (usherin; minus strand). Cytogenetic location: 1q41.
Variant type: Deletion.
Identifiers: ClinVar variation 4887678 (VCV004887678.1).